The following is an entry in ClinVar:

NM_004385.5(VCAN):c.4238G>A (p.Gly1413Glu)

Genes: VCAN (versican; plus strand), VCAN-AS1 (VCAN antisense RNA 1; minus strand). Cytogenetic location: 5q14.3.
Variant type: single nucleotide variant.
Coding change: c.4238G>A on transcript NM_004385.5 (MANE Select); coding-DNA position 4238, G replaced by A.
Protein change: p.Gly1413Glu; replaces glycine 1413 with glutamic acid.
Molecular consequence: missense variant. On other transcripts: intron variant (2).
Genome position (GRCh38, 1-based): chr5:83,537,241, G>A. VCF-style: chr5-83537241-G-A. GRCh37 (hg19) VCF-style: chr5-82833060-G-A.
Other names: c.4238G>A (NM_004385.4); c.1277G>A, p.Gly426Glu (NM_001164097.2); c.4004-8296G>A (NM_001164098.2); c.1043-8296G>A (NM_001126336.3); short protein forms G426E, G1413E.
Identifiers: ClinVar variation 1043183 (VCV001043183.12), dbSNP rs145974479, ClinGen allele CA360307821.

ClinVar aggregate classification (germline): Uncertain significance. Review status: criteria provided, multiple submitters, no conflicts (2 of 4 stars). 2 submissions from 2 submitters: Uncertain significance (2). Last evaluated 2022-06-27.

Conditions:
Inborn genetic diseases. Identifiers: MedGen C0950123, MeSH D030342.

Submissions (2):

Labcorp Genetics (formerly Invitae), Labcorp
Classification: Uncertain significance. Last evaluated: 2022-06-27. Review status: criteria provided, single submitter. Criteria: Invitae Variant Classification Sherloc (09022015). Collection method: clinical testing. Allele origin: germline.
Comment: ClinVar contains an entry for this variant (Variation ID: 1043183). In summary, the available evidence is currently insufficient to determine the role of this variant in disease. Therefore, it has been classified as a Variant of Uncertain Significance. Algorithms developed to predict the effect of missense changes on protein structure and function output the following: SIFT: "Deleterious"; PolyPhen-2: "Possibly Damaging"; Align-GVGD: "Class C65". The glutamic acid amino acid residue is found in multiple mammalian species, which suggests that this missense change does not adversely affect protein function. This variant has not been reported in the literature in individuals affected with VCAN-related conditions. This variant is not present in population databases (gnomAD no frequency). This sequence change replaces glycine, which is neutral and non-polar, with glutamic acid, which is acidic and polar, at codon 1413 of the VCAN protein (p.Gly1413Glu).

Ambry Genetics
Classification: Uncertain significance for Inborn genetic diseases. Last evaluated: 2022-05-27. Review status: criteria provided, single submitter. Criteria: Ambry Variant Classification Scheme 2023. Collection method: clinical testing. Allele origin: germline.